The following is an entry in ClinVar:

NM_000417.3(IL2RA):c.*677G>A

Gene: IL2RA (interleukin 2 receptor subunit alpha; minus strand). Cytogenetic location: 10p15.1.
Variant type: single nucleotide variant.
Coding change: c.*677G>A on transcript NM_000417.3 (MANE Select); 677 bases downstream of the stop codon, G replaced by A.
Molecular consequence: 3 prime UTR variant.
Genome position (GRCh38, 1-based): chr10:6,012,195, C>T on the plus strand (G>A on the coding strand, the complement: IL2RA is on the minus strand). VCF-style: chr10-6012195-C-T. GRCh37 (hg19) VCF-style: chr10-6054158-C-T.
Other names: c.*677G>A (NM_001308242.2, NM_001308243.2).
Identifiers: ClinVar variation 300239 (VCV000300239.6), dbSNP rs12719919, ClinGen allele CA10635553.
Genomic context (GRCh38, chr10:6,012,195, plus strand): 5'-TCTGCCTGGGACCTCATTCATCCTTCTGTTCCTGACATTGCCTCATGGGTTTGGCTGCCC[C>T]GTTTTGAAGTTACCCAAAGATTATTCTGCCATGGCCTCTGTTTTTTAGAAATTCAAGACT-3'

ClinVar aggregate classification (germline): Benign. Review status: criteria provided, multiple submitters, no conflicts (2 of 4 stars). 2 submissions from 2 submitters: Benign (2). Last evaluated 2018-01-12.

Conditions:
Immunodeficiency due to CD25 deficiency. Also called: IMMUNODEFICIENCY 41 WITH LYMPHOPROLIFERATION AND AUTOIMMUNITY; CD25 DEFICIENCY; IL2RA DEFICIENCY. Identifiers: Orphanet 169100, MedGen C1853392, MONDO:0011664, OMIM 606367.

Allele frequency attached by ClinVar (database versions not stated): 1000 Genomes Project 30x 0.03685; gnomAD exomes 0.03697; 1000 Genomes Project 0.03734; TOPMed 0.04232; gnomAD 0.04717 and 0.04736.
gnomAD v4.1: 7,196 of 152,832 alleles (4.7%); highest among the groups gnomAD compares: Middle Eastern, 6.5%; 189 homozygotes.

Submissions (2):

Illumina Laboratory Services, Illumina
Classification: Benign for Immunodeficiency due to CD25 deficiency. Last evaluated: 2018-01-12. Review status: criteria provided, single submitter. Criteria: ICSL Variant Classification Criteria 13 December 2019. Collection method: clinical testing. Allele origin: germline.
Comment: This variant was observed in the ICSL laboratory as part of a predisposition screen in an ostensibly healthy population. It had not been previously curated by ICSL or reported in the Human Gene Mutation Database (HGMD: prior to June 1st, 2018), and was therefore a candidate for classification through an automated scoring system. Utilizing variant allele frequency, disease prevalence and penetrance estimates, and inheritance mode, an automated score was calculated to assess if this variant is too frequent to cause the disease. Based on the score and internal cut-off values, a variant classified as benign is not then subjected to further curation. The score for this variant resulted in a classification of benign for this disease.

Breakthrough Genomics
Classification: Benign. Review status: criteria provided, single submitter. Criteria: ACMG Guidelines, 2015. Collection method: not provided. Allele origin: germline. Inheritance: Autosomal recessive inheritance. Affected: yes.